The following is an entry in ClinVar:

ClinVar aggregate classification (germline): Pathogenic (0 of 4 stars; one submission).

Conditions:
Nephronophthisis-like nephropathy 1 (NPHPL1). Identifiers: Orphanet 655, MedGen C3150419, MONDO:0013163, OMIM 613159.

Allele frequency attached by ClinVar (database versions not stated): gnomAD exomes below 0.00001.
gnomAD v4.1: 1 of 1,613,974 alleles (0.000062%); highest among the groups gnomAD compares: Non-Finnish European, 0.000085%; no homozygotes.

Submission:

Molecular Biology Laboratory, Fundació Puigvert
Classification: Pathogenic for Nephronophthisis-like nephropathy 1. Last evaluated: 2021-02-10. Review status: no assertion criteria provided. Collection method: clinical testing. Allele origin: maternal. Inheritance: Autosomal recessive inheritance. Affected: yes. Observed: 1 variant allele, 1 compound heterozygote.
Comment: The XPNPEP3 c.1040G>A p. (Trp347Ter) variant is a nonsense, in gene XPNPEP3, for which loss-of-function is a known mechanism of disease. It has not been reported in gnomAD. Pathogenic computational verdict based on 5 pathogenic predictions from BayesDel_addAF, DANN, EIGEN, FATHMM-MKL and MutationTaster vs no benign predictions. Co-segregation analysis of the variant has determined that it is located in trans with another XPNPEP3 pathogenic variant. Following the ACMG classification criteria, this variant is classified XPNPEP3 c.1040G> A p. (Trp347 *) as pathogenic.

NM_022098.4(XPNPEP3):c.1040G>A (p.Trp347Ter)

Gene: XPNPEP3 (X-prolyl aminopeptidase 3; plus strand). Cytogenetic location: 22q13.2.
Variant type: single nucleotide variant.
Coding change: c.1040G>A on transcript NM_022098.4 (MANE Select); coding-DNA position 1040, G replaced by A.
Protein change: p.Trp347Ter; replaces tryptophan 347 with a stop codon.
Molecular consequence: nonsense.
Genome position (GRCh38, 1-based): chr22:40,914,309, G>A. VCF-style: chr22-40914309-G-A. GRCh37 (hg19) VCF-style: chr22-41310313-G-A.
Other names: short protein forms W347*.
Identifiers: ClinVar variation 1012365 (VCV001012365.2), dbSNP rs2058187525, ClinGen allele CA411679309.